The following is an entry in ClinVar:

NM_015311.3(OBSL1):c.1558C>A (p.Pro520Thr)

Gene: OBSL1 (obscurin like cytoskeletal adaptor 1; minus strand). Cytogenetic location: 2q35.
Variant type: single nucleotide variant.
Coding change: c.1558C>A on transcript NM_015311.3 (MANE Select); coding-DNA position 1558, C replaced by A.
Protein change: p.Pro520Thr; replaces proline 520 with threonine.
Molecular consequence: missense variant.
Genome position (GRCh38, 1-based): chr2:219,567,552, G>T on the plus strand (C>A on the coding strand, the complement: OBSL1 is on the minus strand). VCF-style: chr2-219567552-G-T. GRCh37 (hg19) VCF-style: chr2-220432274-G-T.
Other names: c.1558C>A, p.Pro520Thr (NM_001173408.2, NM_001173431.2); c.1558C>A (NM_015311.2); short protein forms P520T.
Identifiers: ClinVar variation 1916727 (VCV001916727.6), dbSNP rs1316854085, ClinGen allele CA350758319.
Genomic context (GRCh38, chr2:219,567,552, plus strand): 5'-GCTTCCAGGTCAACAGGACCGTGTTCTTGTGGCCCTTGAACATCTCTGCCAATATGGGGG[G>T]TCCTGGGGGACTGTGCTTGACACCTGAGACCAAGGCAGGGATGTGTTCCGGCCTTGCTTG-3'
Protein context (NP_056126.1, residues 510-530): VKCVKHSPPG[Pro520Thr]PILAEMFKGH

ClinVar aggregate classification (germline): Uncertain significance. Review status: criteria provided, multiple submitters, no conflicts (2 of 4 stars). 2 submissions from 2 submitters: Uncertain significance (2). Last evaluated 2025-06-22.

Conditions:
Inborn genetic diseases. Identifiers: MedGen C0950123, MeSH D030342.

Allele frequency attached by ClinVar (database versions not stated): TOPMed 0.00001.
gnomAD v4.1: 1 of 1,612,058 alleles (0.000062%); highest among the groups gnomAD compares: South Asian, 0.0011%; no homozygotes.

Submissions (2):

Ambry Genetics
Classification: Uncertain significance for Inborn genetic diseases. Last evaluated: 2025-06-22. Review status: criteria provided, single submitter. Criteria: Ambry Variant Classification Scheme 2023. Collection method: clinical testing. Allele origin: germline.

Labcorp Genetics (formerly Invitae), Labcorp
Classification: Uncertain significance. Last evaluated: 2021-12-12. Review status: criteria provided, single submitter. Criteria: Invitae Variant Classification Sherloc (09022015). Collection method: clinical testing. Allele origin: germline.
Comment: In summary, the available evidence is currently insufficient to determine the role of this variant in disease. Therefore, it has been classified as a Variant of Uncertain Significance. Algorithms developed to predict the effect of missense changes on protein structure and function are either unavailable or do not agree on the potential impact of this missense change (SIFT: "Tolerated"; PolyPhen-2: "Probably Damaging"; Align-GVGD: "Class C0"). This variant has not been reported in the literature in individuals affected with OBSL1-related conditions. This variant is not present in population databases (gnomAD no frequency). This sequence change replaces proline, which is neutral and non-polar, with threonine, which is neutral and polar, at codon 520 of the OBSL1 protein (p.Pro520Thr).